The following is an entry in ClinVar:

NM_001354768.3(NRL):c.677G>T (p.Gly226Val)

Genes: NRL (neural retina leucine zipper; minus strand), LOC130055387 (ATAC-STARR-seq lymphoblastoid silent region 5620; plus strand). Cytogenetic location: 14q11.2.
Variant type: single nucleotide variant.
Coding change: c.677G>T on transcript NM_001354768.3 (MANE Select); coding-DNA position 677, G replaced by T.
Protein change: p.Gly226Val; replaces glycine 226 with valine.
Molecular consequence: missense variant.
Genome position (GRCh38, 1-based): chr14:24,081,273, C>A on the plus strand (G>T on the coding strand, the complement: NRL is on the minus strand). VCF-style: chr14-24081273-C-A. GRCh37 (hg19) VCF-style: chr14-24550482-C-A.
Other names: c.677G>T, p.Gly226Val (NM_001354769.1, NM_006177.5); c.362G>T, p.Gly121Val (NM_001354770.2); short protein forms G226V, G121V.
Identifiers: ClinVar variation 1466478 (VCV001466478.6), dbSNP rs1281055540, ClinGen allele CA389276210.
Genomic context (GRCh38, chr14:24,081,273, plus strand): 5'-CACCACAAGGTGCTCTGAACGGCTCAGAGGAAGAGGTGGGAGGGGTCCCCGGACCCGGGG[C>A]CGCTCGAGGTTAGCCGGTCACAGCGAGCCTTGTAGAGATCGCGCTCCCGGGCCAGGCGGG-3'
Protein context (NP_001341697.1, residues 216-236): KARCDRLTSS[Gly226Val]PGSGDPSHLF

ClinVar aggregate classification (germline): Uncertain significance (1 of 4 stars; one submission).

gnomAD v4.1: 1 of 1,505,648 alleles (0.000066%); highest among the groups gnomAD compares: Non-Finnish European, 0.000089%; no homozygotes.

Submission:

Labcorp Genetics (formerly Invitae), Labcorp
Classification: Uncertain significance. Last evaluated: 2021-10-10. Review status: criteria provided, single submitter. Criteria: Invitae Variant Classification Sherloc (09022015). Collection method: clinical testing. Allele origin: germline.
Comment: In summary, the available evidence is currently insufficient to determine the role of this variant in disease. Therefore, it has been classified as a Variant of Uncertain Significance. Algorithms developed to predict the effect of missense changes on protein structure and function are either unavailable or do not agree on the potential impact of this missense change (SIFT: "Deleterious"; PolyPhen-2: "Possibly Damaging"; Align-GVGD: "Class C15"). This variant has not been reported in the literature in individuals affected with NRL-related conditions. The frequency data for this variant in the population databases is considered unreliable, as metrics indicate insufficient coverage at this position in the ExAC database. This sequence change replaces glycine with valine at codon 226 of the NRL protein (p.Gly226Val). The glycine residue is highly conserved and there is a moderate physicochemical difference between glycine and valine.